The following is an entry in ClinVar:

NM_016599.5(MYOZ2):c.331A>G (p.Thr111Ala)

Gene: MYOZ2 (myozenin 2; plus strand). Cytogenetic location: 4q26.
Variant type: single nucleotide variant.
Coding change: c.331A>G on transcript NM_016599.5 (MANE Select); coding-DNA position 331, A replaced by G.
Protein change: p.Thr111Ala; replaces threonine 111 with alanine.
Molecular consequence: missense variant.
Genome position (GRCh38, 1-based): chr4:119,158,106, A>G. VCF-style: chr4-119158106-A-G. GRCh37 (hg19) VCF-style: chr4-120079261-A-G.
Other names: short protein forms T111A.
Identifiers: ClinVar variation 2449417 (VCV002449417.2), dbSNP rs2529770678, ClinGen allele CA358203962.
Genomic context (GRCh38, chr4:119,158,106, plus strand): 5'-AAAGTGGATGGAAGTAACTTGGAAGGTGGTTCGCAGCAAGCCCCCTTGACTCCTCCCAAC[A>G]CCCCAGATCCACGAAGCCCTCCAAATCCAGACAACATTGCTCCAGGTAACCAATCCCCTT-3'
Protein context (NP_057683.1, residues 101-121): SQQAPLTPPN[Thr111Ala]PDPRSPPNPD

ClinVar aggregate classification (germline): Uncertain significance (1 of 4 stars; one submission).

Conditions:
Cardiovascular phenotype. Identifiers: MedGen CN230736.

Allele frequency attached by ClinVar (database versions not stated): gnomAD exomes below 0.00001.
gnomAD v4.1: 3 of 1,613,820 alleles (0.00019%); highest among the groups gnomAD compares: Non-Finnish European, 0.00025%; no homozygotes.

Submission:

Ambry Genetics
Classification: Uncertain significance for Cardiovascular phenotype. Last evaluated: 2023-01-21. Review status: criteria provided, single submitter. Criteria: Ambry Variant Classification Scheme 2023. Collection method: clinical testing. Allele origin: germline.
Comment: The p.T111A variant (also known as c.331A>G), located in coding exon 3 of the MYOZ2 gene, results from an A to G substitution at nucleotide position 331. The threonine at codon 111 is replaced by alanine, an amino acid with similar properties. This amino acid position is conserved. In addition, this alteration is predicted to be tolerated by in silico analysis. Since supporting evidence is limited at this time, the clinical significance of this alteration remains unclear.